The following is an entry in ClinVar:

NM_001395159.1(UNC79):c.5068C>T (p.Pro1690Ser)

Gene: UNC79 (unc-79 homolog, NALCN channel complex subunit; plus strand). Cytogenetic location: 14q32.12.
Variant type: single nucleotide variant.
Coding change: c.5068C>T on transcript NM_001395159.1 (MANE Select); coding-DNA position 5068, C replaced by T.
Protein change: p.Pro1690Ser; replaces proline 1690 with serine.
Molecular consequence: missense variant.
Genome position (GRCh38, 1-based): chr14:93,622,085, C>T. VCF-style: chr14-93622085-C-T. GRCh37 (hg19) VCF-style: chr14-94088431-C-T.
Other names: c.5002C>T, p.Pro1668Ser (NM_001346218.2); c.4321C>T, p.Pro1441Ser (NM_020818.5); short protein forms P1441S, P1668S, P1690S.
Identifiers: ClinVar variation 3338541 (VCV003338541.1).

ClinVar aggregate classification (germline): Uncertain significance (1 of 4 stars; one submission).

gnomAD v4.1: 1 of 1,614,088 alleles (0.000062%); highest among the groups gnomAD compares: Non-Finnish European, 0.000085%; no homozygotes.

Submission:

Greenwood Genetic Center Diagnostic Laboratories, Greenwood Genetic Center
Classification: Uncertain significance. Last evaluated: 2024-06-03. Review status: criteria provided, single submitter. Criteria: ACMG Guidelines, 2015. Collection method: clinical testing. Allele origin: germline. Affected: yes.
Comment: PM2, BP4, PP2